The following is an entry in ClinVar:

NM_032043.3(BRIP1):c.1457C>T (p.Thr486Ile)

Gene: BRIP1 (BRCA1 interacting DNA helicase 1; minus strand). Cytogenetic location: 17q23.2.
Variant type: single nucleotide variant.
Coding change: c.1457C>T on transcript NM_032043.3 (MANE Select); coding-DNA position 1457, C replaced by T.
Protein change: p.Thr486Ile; replaces threonine 486 with isoleucine.
Molecular consequence: missense variant.
Genome position (GRCh38, 1-based): chr17:61,793,613, G>A on the plus strand (C>T on the coding strand, the complement: BRIP1 is on the minus strand). VCF-style: chr17-61793613-G-A. GRCh37 (hg19) VCF-style: chr17-59870974-G-A.
Other names: short protein forms T486I.
Identifiers: ClinVar variation 819263 (VCV000819263.16), dbSNP rs1603340296, ClinGen allele CA400482063.

ClinVar aggregate classification (germline): Uncertain significance. Review status: criteria provided, multiple submitters, no conflicts (2 of 4 stars). 3 submissions from 3 submitters: Uncertain significance (3). Last evaluated 2025-01-12.

Conditions:
Hereditary cancer-predisposing syndrome. Also called: Hereditary Cancer Syndrome; Neoplastic Syndromes, Hereditary; Hereditary neoplastic syndrome; Tumor predisposition. Identifiers: Orphanet 140162, MedGen C0027672, MeSH D009386, MONDO:0015356.
Familial cancer of breast. Also called: Hereditary breast cancer; hereditary breast carcinoma; BREAST CANCER, FAMILIAL. Identifiers: Orphanet 227535, MedGen C0346153, MONDO:0016419, OMIM 114480. Disease mechanism: loss of function.
Fanconi anemia complementation group J. Also called: BRIP1-Related Fanconi Anemia. Identifiers: Orphanet 84, MedGen C1836860, MONDO:0012187, OMIM 609054.

Allele frequency attached by ClinVar (database versions not stated): TOPMed below 0.00001.

Submissions (3):

Labcorp Genetics (formerly Invitae), Labcorp
Classification: Uncertain significance for Familial cancer of breast; Fanconi anemia complementation group J. Last evaluated: 2025-01-12. Review status: criteria provided, single submitter. Criteria: Invitae Variant Classification Sherloc (09022015). Collection method: clinical testing. Allele origin: germline.
Comment: This sequence change replaces threonine, which is neutral and polar, with isoleucine, which is neutral and non-polar, at codon 486 of the BRIP1 protein (p.Thr486Ile). This variant is not present in population databases (gnomAD no frequency). This variant has not been reported in the literature in individuals affected with BRIP1-related conditions. ClinVar contains an entry for this variant (Variation ID: 819263). Invitae Evidence Modeling of protein sequence and biophysical properties (such as structural, functional, and spatial information, amino acid conservation, physicochemical variation, residue mobility, and thermodynamic stability) indicates that this missense variant is not expected to disrupt BRIP1 protein function with a negative predictive value of 95%. In summary, the available evidence is currently insufficient to determine the role of this variant in disease. Therefore, it has been classified as a Variant of Uncertain Significance.

Baylor Genetics
Classification: Uncertain significance for Familial cancer of breast. Last evaluated: 2024-02-01. Review status: criteria provided, single submitter. Criteria: ACMG Guidelines, 2015. Collection method: clinical testing. Allele origin: unknown.

Ambry Genetics
Classification: Uncertain significance for Hereditary cancer-predisposing syndrome. Last evaluated: 2024-01-01. Review status: criteria provided, single submitter. Criteria: Ambry Variant Classification Scheme 2023. Collection method: clinical testing. Allele origin: germline.
Comment: The p.T486I variant (also known as c.1457C>T), located in coding exon 9 of the BRIP1 gene, results from a C to T substitution at nucleotide position 1457. The threonine at codon 486 is replaced by isoleucine, an amino acid with similar properties. This amino acid position is well conserved in available vertebrate species. In addition, this alteration is predicted to be tolerated by in silico analysis. Since supporting evidence is limited at this time, the clinical significance of this alteration remains unclear.